The following is an entry in ClinVar:

NM_000037.4(ANK1):c.2539G>T (p.Val847Leu)

Gene: ANK1 (ankyrin 1; minus strand). Cytogenetic location: 8p11.21.
Variant type: single nucleotide variant.
Coding change: c.2539G>T on transcript NM_000037.4 (MANE Select); coding-DNA position 2539, G replaced by T.
Protein change: p.Val847Leu; replaces valine 847 with leucine.
Molecular consequence: missense variant.
Genome position (GRCh38, 1-based): chr8:41,699,471, C>A on the plus strand (G>T on the coding strand, the complement: ANK1 is on the minus strand). VCF-style: chr8-41699471-C-A. GRCh37 (hg19) VCF-style: chr8-41556989-C-A.
Other names: c.2662G>T, p.Val888Leu (NM_001142446.2); c.2539G>T, p.Val847Leu (NM_020475.3, NM_020476.3, NM_020477.3); c.2539G>T (NM_000037.3); short protein forms V847L, V888L.
Identifiers: ClinVar variation 2688559 (VCV002688559.6), dbSNP rs917387478, ClinGen allele CA175935414.
Genomic context (GRCh38, chr8:41,699,471, plus strand): 5'-ATCTCGGCACCCCCGGGGACCCTCCCGGGAGCACTGCTCACACTTGGTCTAGCTTCGGCA[C>A]AAAATCCAGCAGCTCCTTCTCTTCATCAACATCCCTGGAATCCCGCCTCTCAGCCTTGAA-3'
Protein context (NP_000028.3, residues 837-857): VDEEKELLDF[Val847Leu]PKLDQVVESP

ClinVar aggregate classification (germline): Uncertain significance. Review status: criteria provided, multiple submitters, no conflicts (2 of 4 stars). 3 submissions from 3 submitters: Uncertain significance (3). Last evaluated 2025-10-21.

Conditions:
Hereditary spherocytosis type 1. Also called: Spherocytosis type 1; ANK1-Related Spherocytosis. Identifiers: Orphanet 822, MedGen C2674218, MONDO:0008447, OMIM 182900.
Inborn genetic diseases. Identifiers: MedGen C0950123, MeSH D030342.

Allele frequency attached by ClinVar (database versions not stated): TOPMed 0.00001; gnomAD exomes 0.00003.
gnomAD v4.1: 51 of 1,614,112 alleles (0.0032%); highest among the groups gnomAD compares: Non-Finnish European, 0.0041%; no homozygotes.

Submissions (3):

Labcorp Genetics (formerly Invitae), Labcorp
Classification: Uncertain significance. Last evaluated: 2025-10-21. Review status: criteria provided, single submitter. Criteria: Invitae Variant Classification Sherloc (09022015). Collection method: clinical testing. Allele origin: germline.
Comment: This sequence change replaces valine, which is neutral and non-polar, with leucine, which is neutral and non-polar, at codon 847 of the ANK1 protein (p.Val847Leu). This variant is present in population databases (no rsID available, gnomAD 0.003%). This variant has not been reported in the literature in individuals affected with ANK1-related conditions. ClinVar contains an entry for this variant (Variation ID: 2688559). An algorithm developed to predict the effect of missense changes on protein structure and function (PolyPhen-2) suggests that this variant is likely to be tolerated. In summary, the available evidence is currently insufficient to determine the role of this variant in disease. Therefore, it has been classified as a Variant of Uncertain Significance.

Ambry Genetics
Classification: Uncertain significance for Inborn genetic diseases. Last evaluated: 2023-09-22. Review status: criteria provided, single submitter. Criteria: Ambry Variant Classification Scheme 2023. Collection method: clinical testing. Allele origin: germline.

Revvity Omics, Revvity
Classification: Uncertain significance for Hereditary spherocytosis type 1. Last evaluated: 2023-07-14. Review status: criteria provided, single submitter. Criteria: ACMG Guidelines, 2015. Collection method: clinical testing. Allele origin: germline.